The following is an entry in ClinVar:

NM_002693.3(POLG):c.3122G>C (p.Trp1041Ser)

Gene: POLG (DNA polymerase gamma, catalytic subunit; minus strand). Cytogenetic location: 15q26.1.
Variant type: single nucleotide variant.
Coding change: c.3122G>C on transcript NM_002693.3 (MANE Select); coding-DNA position 3122, G replaced by C.
Protein change: p.Trp1041Ser; replaces tryptophan 1041 with serine.
Molecular consequence: missense variant.
Genome position (GRCh38, 1-based): chr15:89,319,082, C>G on the plus strand (G>C on the coding strand, the complement: POLG is on the minus strand). VCF-style: chr15-89319082-C-G. GRCh37 (hg19) VCF-style: chr15-89862313-C-G.
Other names: p.W1041S:TGG>TCG; c.3122G>C, p.Trp1041Ser (NM_001126131.2); short protein forms W1041S.
Identifiers: ClinVar variation 206547 (VCV000206547.4), dbSNP rs796052894, ClinGen allele CA316738.

ClinVar aggregate classification (germline): Uncertain significance. Review status: criteria provided, multiple submitters, no conflicts (2 of 4 stars). 2 submissions from 2 submitters: Uncertain significance (2). Last evaluated 2024-07-08.

Conditions:
Progressive sclerosing poliodystrophy (MTDPS4A). Also called: ALPERS DIFFUSE DEGENERATION OF CEREBRAL GRAY MATTER WITH HEPATIC CIRRHOSIS; Alpers-Huttenlocher Syndrome; ALPERS PROGRESSIVE INFANTILE POLIODYSTROPHY; NEURONAL DEGENERATION OF CHILDHOOD WITH LIVER DISEASE, PROGRESSIVE; Mitochondrial DNA Depletion Syndrome 4A; Alpers-Huttenlocher Syndrome (AHS). Identifiers: Orphanet 726, MedGen C0205710, MONDO:0008758, OMIM 203700.

Allele frequency attached by ClinVar (database versions not stated): gnomAD exomes below 0.00001; TOPMed below 0.00001; gnomAD 0.00001.
gnomAD v4.1: 1 of 1,614,054 alleles (0.000062%); highest among the groups gnomAD compares: African/African-American, 0.0013%; no homozygotes.

Submissions (2):

Labcorp Genetics (formerly Invitae), Labcorp
Classification: Uncertain significance for Progressive sclerosing poliodystrophy. Last evaluated: 2024-07-08. Review status: criteria provided, single submitter. Criteria: Invitae Variant Classification Sherloc (09022015). Collection method: clinical testing. Allele origin: germline.
Comment: This sequence change replaces tryptophan, which is neutral and slightly polar, with serine, which is neutral and polar, at codon 1041 of the POLG protein (p.Trp1041Ser). This variant is present in population databases (rs796052894, gnomAD 0.007%). This variant has not been reported in the literature in individuals affected with POLG-related conditions. ClinVar contains an entry for this variant (Variation ID: 206547). Advanced modeling of protein sequence and biophysical properties (such as structural, functional, and spatial information, amino acid conservation, physicochemical variation, residue mobility, and thermodynamic stability) performed at Invitae indicates that this missense variant is expected to disrupt POLG protein function with a positive predictive value of 95%. In summary, the available evidence is currently insufficient to determine the role of this variant in disease. Therefore, it has been classified as a Variant of Uncertain Significance.

GeneDx
Classification: Uncertain significance. Last evaluated: 2013-09-05. Review status: criteria provided, single submitter. Criteria: GeneDx Variant Classification (06012015). Collection method: clinical testing. Allele origin: germline. Affected: yes.
Comment: p.Trp1041Ser (TGG>TCG): c.3122 G>C in exon 20 of the POLG gene (NM_002693.2). The Trp1041Ser missense change has not been published as a mutation, nor has it been reported as a benign polymorphism to our knowledge. It was not observed in approximately 6,500 individuals of European and African American ancestry in the NHLBI Exome Sequencing Project, indicating it is not a common benign variant in these populations. This variant is a non-conservative amino acid substitution of a non-polar Tryptophan residue with a polar Serine residue. Trp1041Ser alters a position that is conserved across species in the POLG gene and other mutations at nearby codons have been reported in association with POLG-related disorders. However, in silico analysis is inconsistent with regard to the effect this variant may have on the protein structure/function. Therefore, based on the currently available information, it is unclear whether Trp1041Ser is a disease-causing mutation or a rare benign variant. The variant is found in INFANT-EPI panel(s).